The following is an entry in ClinVar:

NM_001130144.3(LTBP3):c.2230+6G>A

Genes: LTBP3 (latent transforming growth factor beta binding protein 3; minus strand), LOC130006030 (ATAC-STARR-seq lymphoblastoid silent region 3533; plus strand). Cytogenetic location: 11q13.1.
Variant type: single nucleotide variant.
Coding change: c.2230+6G>A on transcript NM_001130144.3 (MANE Select); 6 bases into the intron after coding-DNA position 2230, G replaced by A.
Molecular consequence: intron variant.
Genome position (GRCh38, 1-based): chr11:65,546,792, C>T on the plus strand (G>A on the coding strand, the complement: LTBP3 is on the minus strand). VCF-style: chr11-65546792-C-T. GRCh37 (hg19) VCF-style: chr11-65314263-C-T.
Other names: c.1879+6G>A (NM_001164266.1); c.2230+6G>A (NM_021070.4).
Identifiers: ClinVar variation 1955532 (VCV001955532.5), dbSNP rs1444468482, ClinGen allele CA679334765.

ClinVar aggregate classification (germline): Uncertain significance (1 of 4 stars; one submission).

Conditions:
Brachyolmia-amelogenesis imperfecta syndrome. Also called: PLATYSPONDYLY WITH AMELOGENESIS IMPERFECTA; Tooth agenesis, selective, 6; Dental anomalies and short stature. Identifiers: Orphanet 2899, MedGen C1832594, MONDO:0011018, OMIM 601216. Disease mechanism: loss of function.

Allele frequency attached by ClinVar (database versions not stated): gnomAD exomes below 0.00001; TOPMed 0.00001; gnomAD 0.00001.
gnomAD v4.1: 3 of 1,601,352 alleles (0.00019%); highest among the groups gnomAD compares: Non-Finnish European, 0.00025%; no homozygotes.

Submission:

Labcorp Genetics (formerly Invitae), Labcorp
Classification: Uncertain significance for Brachyolmia-amelogenesis imperfecta syndrome. Last evaluated: 2025-05-22. Review status: criteria provided, single submitter. Criteria: Invitae Variant Classification Sherloc (09022015). Collection method: clinical testing. Allele origin: germline.
Comment: This sequence change falls in intron 15 of the LTBP3 gene. It does not directly change the encoded amino acid sequence of the LTBP3 protein. It affects a nucleotide within the consensus splice site. This variant is not present in population databases (gnomAD no frequency). This variant has not been reported in the literature in individuals affected with LTBP3-related conditions. ClinVar contains an entry for this variant (Variation ID: 1955532). Variants that disrupt the consensus splice site are a relatively common cause of aberrant splicing (PMID: 17576681, 9536098). Algorithms developed to predict the effect of sequence changes on RNA splicing suggest that this variant is not likely to affect RNA splicing. In summary, the available evidence is currently insufficient to determine the role of this variant in disease. Therefore, it has been classified as a Variant of Uncertain Significance.

Literature cited by the submitters: PubMed 17576681; PubMed 9536098.